The following is an entry in ClinVar:

NM_013450.4(BAZ2B):c.2443T>C (p.Tyr815His)

Gene: BAZ2B (bromodomain adjacent to zinc finger domain 2B; minus strand). Cytogenetic location: 2q24.2.
Variant type: single nucleotide variant.
Coding change: c.2443T>C on transcript NM_013450.4 (MANE Select); coding-DNA position 2443, T replaced by C.
Protein change: p.Tyr815His; replaces tyrosine 815 with histidine.
Molecular consequence: missense variant. On other transcripts: intron variant (2).
Genome position (GRCh38, 1-based): chr2:159,427,964, A>G on the plus strand (T>C on the coding strand, the complement: BAZ2B is on the minus strand). VCF-style: chr2-159427964-A-G. GRCh37 (hg19) VCF-style: chr2-160284475-A-G.
Other names: c.2254T>C, p.Tyr752His (NM_001329857.2); c.2358+347T>C (NM_001289975.1); c.2364+347T>C (NM_001329858.2); short protein forms Y752H, Y815H.
Identifiers: ClinVar variation 5017002 (VCV005017002.1).
Genomic context (GRCh38, chr2:159,427,964, plus strand): 5'-TTTGGTTCAAAGACTATACTTTTTAAAAAGTGGATACCTGCGGTCCATCTCTGGCTTCAT[A>G]GAAGTCACCCACTCTTATTTTTGCACTGAAGCTGAAATTGTCCCTTGAGATATCCATTAT-3'
Protein context (NP_038478.2, residues 805-825): FSAKIRVGDF[Tyr815His]EARDGPQGMQ

ClinVar aggregate classification (germline): Uncertain significance (1 of 4 stars; one submission).

gnomAD v4.1: 1 of 1,613,482 alleles (0.000062%); highest among the groups gnomAD compares: South Asian, 0.0011%; no homozygotes.

Submission:

GeneDx
Classification: Uncertain significance. Last evaluated: 2026-03-16. Review status: criteria provided, single submitter. Criteria: GeneDx Variant Classification Process June 2021. Collection method: clinical testing. Allele origin: germline.
Comment: Not observed at significant frequency in large population cohorts (gnomAD); In silico analysis supports that this missense variant has a deleterious effect on protein structure/function; Has not been previously published as pathogenic or benign to our knowledge